The following is an entry in ClinVar:

ClinVar aggregate classification (germline): Conflicting classifications of pathogenicity. Review status: criteria provided, conflicting classifications (1 of 4 stars). 4 submissions from 4 submitters: Uncertain significance (1); Likely benign (3). Last evaluated 2025-02-24.

Conditions:
Breast-ovarian cancer, familial, susceptibility to, 4. Identifiers: Orphanet 145, MedGen C3280345, MONDO:0013669, OMIM 614291.
Hereditary cancer-predisposing syndrome. Also called: Neoplastic Syndromes, Hereditary; Tumor predisposition; Hereditary neoplastic syndrome; Hereditary Cancer Syndrome. Identifiers: Orphanet 140162, MedGen C0027672, MeSH D009386, MONDO:0015356.

Submissions (4):

Myriad Genetics, Inc.
Classification: Likely benign for Breast-ovarian cancer, familial, susceptibility to, 4. Last evaluated: 2025-02-24. Review status: criteria provided, single submitter. Criteria: Myriad Autosomal Dominant, Autosomal Recessive and X-Linked Classification Criteria (2023). Collection method: clinical testing. Allele origin: unknown.
Comment: This variant is considered likely benign. This variant is intronic and is not expected to impact mRNA splicing.

Labcorp Genetics (formerly Invitae), Labcorp
Classification: Likely benign for Breast-ovarian cancer, familial, susceptibility to, 4. Last evaluated: 2024-06-04. Review status: criteria provided, single submitter. Criteria: Invitae Variant Classification Sherloc (09022015). Collection method: clinical testing. Allele origin: germline.

Color Diagnostics, LLC DBA Color Health
Classification: Uncertain significance for Hereditary cancer-predisposing syndrome. Last evaluated: 2019-04-24. Review status: criteria provided, single submitter. Criteria: ACMG Guidelines, 2015. Collection method: clinical testing. Allele origin: germline.

Ambry Genetics
Classification: Likely benign for Hereditary cancer-predisposing syndrome. Last evaluated: 2017-08-07. Review status: criteria provided, single submitter. Criteria: Ambry Variant Classification Scheme 2023. Collection method: clinical testing. Allele origin: germline.

NM_002878.4(RAD51D):c.668-13CCT[4]

Genes: RAD51D (RAD51 paralog D; minus strand), RAD51L3-RFFL (RAD51L3-RFFL readthrough; minus strand). Cytogenetic location: 17q12.
Variant type: Microsatellite.
Coding change: c.668-13CCT[4] on transcript NM_002878.4 (MANE Select); four copies in a row of the 3-base unit CCT starting at c.668-13; the reference has three copies in a row; one copy, 3 bases duplicated.
Molecular consequence: intron variant.
Genome position (GRCh38, 1-based): chr17:35,103,329-35,103,331, AGG duplicated on the plus strand (CCT on the coding strand, the reverse complement: RAD51D is on the minus strand); duplicating any 3 consecutive bases within chr17:35,103,329-35,103,339 gives the same sequence; the position shown is the placement nearest the transcript's 3' end. VCF-style (leftmost placement, unchanged base first): chr17-35103328-C-CAGG. GRCh37 (hg19) VCF-style: chr17-33430347-C-CAGG.
Other names: c.332-13CCT[4] (NM_133629.3); c.728-13CCT[4] (NM_001142571.2); c.668-7_668-5dup (NM_002878.3).
Identifiers: ClinVar variation 629980 (VCV000629980.13), dbSNP rs1230625396, ClinGen allele CA913188793.